The following is an entry in ClinVar:

ClinVar aggregate classification (germline): Uncertain significance (1 of 4 stars; one submission).

Conditions:
Pigmentary pallidal degeneration (NBIA1). Also called: Neurodegeneration with brain iron accumulation 1; PKAN NEUROAXONAL DYSTROPHY, JUVENILE-ONSET; HARP SYNDROME; Pantothenate Kinase-Associated Neurodegeneration; Neuroaxonal dystrophy, late infantile; Hallervorden-Spatz disease. Identifiers: Orphanet 157850, MedGen C0018523, MONDO:0009319, OMIM 234200.

Allele frequency attached by ClinVar (database versions not stated): gnomAD exomes 0.00001 and below 0.00001.
gnomAD v4.1: 7 of 1,593,282 alleles (0.00044%); highest among the groups gnomAD compares: Non-Finnish European, 0.0006%; no homozygotes.

Submission:

Labcorp Genetics (formerly Invitae), Labcorp
Classification: Uncertain significance for Pigmentary pallidal degeneration. Last evaluated: 2021-03-11. Review status: criteria provided, single submitter. Criteria: Invitae Variant Classification Sherloc (09022015). Collection method: clinical testing. Allele origin: germline.
Comment: This sequence change replaces leucine with phenylalanine at codon 19 of the PANK2 protein (p.Leu19Phe). The leucine residue is weakly conserved and there is a small physicochemical difference between leucine and phenylalanine. Algorithms developed to predict the effect of missense changes on protein structure and function (SIFT, PolyPhen-2, Align-GVGD) all suggest that this variant is likely to be tolerated, but these predictions have not been confirmed by published functional studies and their clinical significance is uncertain. In summary, the available evidence is currently insufficient to determine the role of this variant in disease. Therefore, it has been classified as a Variant of Uncertain Significance. This variant has not been reported in the literature in individuals with PANK2-related conditions. This variant is not present in population databases (ExAC no frequency).

NM_153638.4(PANK2):c.55C>T (p.Leu19Phe)

Genes: PANK2 (pantothenate kinase 2; plus strand), PANK2-AS1 (PANK2 antisense RNA 1; minus strand). Cytogenetic location: 20p13.
Variant type: single nucleotide variant.
Coding change: c.55C>T on transcript NM_153638.4; coding-DNA position 55, C replaced by T.
Protein change: p.Leu19Phe; replaces leucine 19 with phenylalanine.
Molecular consequence: missense variant. On other transcripts: intron variant (1).
Genome position (GRCh38, 1-based): chr20:3,889,155, C>T. VCF-style: chr20-3889155-C-T. GRCh37 (hg19) VCF-style: chr20-3869802-C-T.
Other names: c.55C>T, p.Leu19Phe (NM_001324192.1); c.-246+251C>T (NM_024960.6); short protein forms L19F.
Identifiers: ClinVar variation 1410142 (VCV001410142.8), dbSNP rs1568549056, ClinGen allele CA408138516.
Genomic context (GRCh38, chr20:3,889,155, plus strand): 5'-GGGTGGATGAGGAGGCTCGGGCCCTTCCACCCACGCGTCCATTGGGCGGCGCCGCCATCA[C>T]TCTCTTCTGGGCTACACCGCCTTCTCTTCCTCCGCGGAACCCGGATCCCCTCCTCCACCA-3'